The following is an entry in ClinVar:

ClinVar aggregate classification (germline): Uncertain significance. Review status: criteria provided, multiple submitters, no conflicts (2 of 4 stars). 3 submissions from 3 submitters: Uncertain significance (3). Last evaluated 2024-03-26.

Conditions:
Hereditary cancer-predisposing syndrome. Also called: Neoplastic Syndromes, Hereditary; Tumor predisposition; Hereditary neoplastic syndrome; Hereditary Cancer Syndrome. Identifiers: Orphanet 140162, MedGen C0027672, MeSH D009386, MONDO:0015356.
DICER1-related tumor predisposition. Also called: DICER1 syndrome; DICER1-related pleuropulmonary blastoma cancer predisposition syndrome. Identifiers: Orphanet 284343, MedGen C3839822, MONDO:0100216.
Global developmental delay - lung cysts - overgrowth - Wilms tumor syndrome. Also called: GLOW Syndrome; GLOBAL DEVELOPMENTAL DELAY, LUNG CYSTS, OVERGROWTH, AND WILMS TUMOR. Identifiers: Orphanet 404476, MedGen C4748924, MONDO:0018445, OMIM 618272.

Submissions (3):

Baylor Genetics
Classification: Uncertain significance for Global developmental delay - lung cysts - overgrowth - Wilms tumor syndrome. Last evaluated: 2024-03-26. Review status: criteria provided, single submitter. Criteria: ACMG Guidelines, 2015. Collection method: clinical testing. Allele origin: unknown.

Labcorp Genetics (formerly Invitae), Labcorp
Classification: Uncertain significance for DICER1-related tumor predisposition. Last evaluated: 2024-01-17. Review status: criteria provided, single submitter. Criteria: Invitae Variant Classification Sherloc (09022015). Collection method: clinical testing. Allele origin: germline.
Comment: This sequence change replaces isoleucine, which is neutral and non-polar, with valine, which is neutral and non-polar, at codon 302 of the DICER1 protein (p.Ile302Val). This variant is not present in population databases (gnomAD no frequency). This variant has not been reported in the literature in individuals affected with DICER1-related conditions. ClinVar contains an entry for this variant (Variation ID: 1765588). An algorithm developed to predict the effect of missense changes on protein structure and function (PolyPhen-2) suggests that this variant is likely to be tolerated. In summary, the available evidence is currently insufficient to determine the role of this variant in disease. Therefore, it has been classified as a Variant of Uncertain Significance.

Ambry Genetics
Classification: Uncertain significance for Hereditary cancer-predisposing syndrome. Last evaluated: 2021-09-24. Review status: criteria provided, single submitter. Criteria: Ambry Variant Classification Scheme 2023. Collection method: clinical testing. Allele origin: germline.
Comment: The p.I302V variant (also known as c.904A>G) is located in coding exon 7 of the DICER1 gene. The isoleucine at codon 302 is replaced by valine, an amino acid with highly similar properties. This change occurs in the first base pair of coding exon 7. This amino acid position is well conserved in available vertebrate species. In addition, this alteration is predicted to be tolerated by in silico analysis. Since supporting evidence is limited at this time, the clinical significance of this alteration remains unclear.

NM_177438.3(DICER1):c.904A>G (p.Ile302Val)

Gene: DICER1 (dicer 1, ribonuclease III; minus strand). Cytogenetic location: 14q32.13.
Variant type: single nucleotide variant.
Coding change: c.904A>G on transcript NM_177438.3 (MANE Select); coding-DNA position 904, A replaced by G.
Protein change: p.Ile302Val; replaces isoleucine 302 with valine.
Molecular consequence: missense variant. On other transcripts: non-coding transcript variant (6), 5 prime UTR variant (1).
Genome position (GRCh38, 1-based): chr14:95,124,668, T>C on the plus strand (A>G on the coding strand, the complement: DICER1 is on the minus strand). VCF-style: chr14-95124668-T-C. GRCh37 (hg19) VCF-style: chr14-95591005-T-C.
Other names: c.904A>G, p.Ile302Val (NM_001195573.1, NM_001271282.3, NM_001291628.2 and 15 more transcripts); c.622A>G, p.Ile208Val (NM_001395686.1); c.499A>G, p.Ile167Val (NM_001395687.1, NM_001395688.1, NM_001395689.1 and 3 more transcripts); c.337A>G, p.Ile113Val (NM_001395691.1); c.-665A>G (NM_001395697.1); short protein forms I302V, I208V, I113V, I167V.
Identifiers: ClinVar variation 1765588 (VCV001765588.6), dbSNP rs1555374864, ClinGen allele CA390887401.